The following is an entry in ClinVar:

ClinVar aggregate classification (germline): Uncertain significance (1 of 4 stars; one submission).

Conditions:
Pitt-Hopkins-like syndrome 2 (PTHSL2). Identifiers: Orphanet 221150, Orphanet 600663, MedGen C3280479, MONDO:0013690, OMIM 614325.

Allele frequency attached by ClinVar (database versions not stated): gnomAD exomes below 0.00001.
gnomAD v4.1: 3 of 1,613,590 alleles (0.00019%); highest among the groups gnomAD compares: Non-Finnish European, 0.00025%; no homozygotes.

Submission:

Labcorp Genetics (formerly Invitae), Labcorp
Classification: Uncertain significance for Pitt-Hopkins-like syndrome 2. Last evaluated: 2021-10-08. Review status: criteria provided, single submitter. Criteria: Invitae Variant Classification Sherloc (09022015). Collection method: clinical testing. Allele origin: germline.
Comment: In summary, the available evidence is currently insufficient to determine the role of this variant in disease. Therefore, it has been classified as a Variant of Uncertain Significance. Algorithms developed to predict the effect of missense changes on protein structure and function are either unavailable or do not agree on the potential impact of this missense change (SIFT: "Deleterious"; PolyPhen-2: "Probably Damaging"; Align-GVGD: "Class C0"). This variant has not been reported in the literature in individuals affected with NRXN1-related conditions. This variant is not present in population databases (ExAC no frequency). This sequence change replaces leucine with phenylalanine at codon 807 of the NRXN1 protein (p.Leu807Phe). The leucine residue is highly conserved and there is a small physicochemical difference between leucine and phenylalanine.

NM_001330078.2(NRXN1):c.2299C>T (p.Leu767Phe)

Gene: NRXN1 (neurexin 1; minus strand). Cytogenetic location: 2p16.3.
Variant type: single nucleotide variant.
Coding change: c.2299C>T on transcript NM_001330078.2 (MANE Select); coding-DNA position 2299, C replaced by T.
Protein change: p.Leu767Phe; replaces leucine 767 with phenylalanine.
Molecular consequence: missense variant.
Genome position (GRCh38, 1-based): chr2:50,531,275, G>A on the plus strand (C>T on the coding strand, the complement: NRXN1 is on the minus strand). VCF-style: chr2-50531275-G-A. GRCh37 (hg19) VCF-style: chr2-50758413-G-A.
Other names: c.2419C>T, p.Leu807Phe (NM_001135659.3); c.2275C>T, p.Leu759Phe (NM_001330077.2, NM_001330082.2, NM_001330095.2); c.2260C>T, p.Leu754Phe (NM_001330083.2, NM_001330084.2); c.2299C>T, p.Leu767Phe (NM_001330085.2, NM_001330086.2, NM_004801.6); c.2215C>T, p.Leu739Phe (NM_001330087.2, NM_001330096.2); c.2245C>T, p.Leu749Phe (NM_001330088.2); c.2296C>T, p.Leu766Phe (NM_001330093.2); c.2287C>T, p.Leu763Phe (NM_001330094.2); short protein forms L739F, L759F, L763F, L807F, L749F, L754F, L766F, L767F.
Identifiers: ClinVar variation 1438059 (VCV001438059.6), dbSNP rs2105206998, ClinGen allele CA346769494.
Genomic context (GRCh38, chr2:50,531,275, plus strand): 5'-GCAGGTTGTTACCTAGATTGACCGTCAGTTTCACACGTCCTGCGTCTAGCTCCAGGCGGA[G>A]GGTGTCAGCAGAGTCTCTAGAAGTGGTTGCCATCAGAATGCCATATGCACGCTGGGATCG-3'
Protein context (NP_001317007.1, residues 757-777): ATTSRDSADT[Leu767Phe]RLELDAGRVK